The following is an entry in ClinVar:

ClinVar aggregate classification (germline): Pathogenic. Review status: criteria provided, multiple submitters, no conflicts (2 of 4 stars). 6 submissions from 6 submitters: Pathogenic (5). 1 of the submissions does not count toward it. Last evaluated 2022-11-21.

Conditions:
Rare genetic intellectual disability. Identifiers: Orphanet 183757, MedGen C5680527.
Spastic paraplegia. Identifiers: MedGen C0037772, HP:0001258.
Intellectual developmental disorder, X-linked, syndromic, Claes-Jensen type. Also called: INTELLECTUAL DEVELOPMENTAL DISORDER, X-LINKED, SYNDROMIC 16; MENTAL RETARDATION, X-LINKED, SYNDROMIC 16; Syndromic X-linked intellectual disability Claes-Jensen type. Identifiers: Orphanet 85279, MedGen C1845243, MONDO:0010355, OMIM 300534.
Inborn genetic diseases. Identifiers: MedGen C0950123, MeSH D030342.

Submissions (6):

Ambry Genetics
Classification: Pathogenic for Inborn genetic diseases. Last evaluated: 2022-11-21. Review status: criteria provided, single submitter. Criteria: Ambry Variant Classification Scheme 2023. Collection method: clinical testing. Allele origin: germline.
Comment: The c.3392_3393delAG (p.E1131Afs*72) alteration, located in exon 22 (coding exon 22) of the KDM5C gene, consists of a deletion of 2 nucleotides from position 3392 to 3393, causing a translational frameshift with a predicted alternate stop codon after 72 amino acids. This alteration is expected to result in loss of function by premature protein truncation or nonsense-mediated mRNA decay. This variant was not reported in population-based cohorts in the Genome Aggregation Database (gnomAD). Based on the available evidence, this alteration is classified as pathogenic.

GeneDx
Classification: Pathogenic. Last evaluated: 2022-08-16. Review status: criteria provided, single submitter. Criteria: GeneDx Variant Classification Process June 2021. Collection method: clinical testing. Allele origin: germline. Affected: yes.
Comment: Frameshift variant predicted to result in protein truncation or nonsense mediated decay in a gene for which loss-of-function is a known mechanism of disease; Not observed in large population cohorts (gnomAD); This variant is associated with the following publications: (PMID: 33753861)

Labcorp Genetics (formerly Invitae), Labcorp
Classification: Pathogenic for Spastic paraplegia. Last evaluated: 2021-05-20. Review status: criteria provided, single submitter. Criteria: Invitae Variant Classification Sherloc (09022015). Collection method: clinical testing. Allele origin: germline.
Comment: This sequence change creates a premature translational stop signal (p.Glu1131Alafs*72) in the KDM5C gene. It is expected to result in an absent or disrupted protein product. Loss-of-function variants in KDM5C are known to be pathogenic (PMID: 15586325, 18697827). This variant is not present in population databases (ExAC no frequency). For these reasons, this variant has been classified as Pathogenic. This variant has not been reported in the literature in individuals with KDM5C-related conditions. ClinVar contains an entry for this variant (Variation ID: 817677).

Institute of Medical Genetics and Applied Genomics, University Hospital Tübingen
Classification: Pathogenic. Last evaluated: 2020-10-23. Review status: criteria provided, single submitter. Criteria: ACMG Guidelines, 2015. Collection method: clinical testing. Allele origin: germline. Inheritance: Unknown mechanism. Affected: yes.

Kasturba Medical College, Manipal, Kasturba Medical College, Manipal, Manipal Academy of Higher Education, Manipal, India
Classification: Pathogenic for Intellectual developmental disorder, X-linked, syndromic, Claes-Jensen type. Review status: criteria provided, single submitter. Criteria: ACMG Guidelines, 2015. Collection method: clinical testing. Allele origin: maternal. Inheritance: X-linked recessive inheritance. Affected: yes. Observed: 1 hemizygote.
Comment: This variant is predicted to cause shift in the reading frame of the transcript which will either lead to the nonsense-mediated mRNA decay or formation of a truncated protein product. This variant has been reported in individuals affected with intellectual development disorder, X-linked syndromic, Claes-Jensen type (ClinVar ID-817677; Wu et al., 2021).

Service de Génétique Moléculaire, Hôpital Robert Debré
Classification: Likely pathogenic for Rare genetic intellectual disability. Review status: no assertion criteria provided. Collection method: clinical testing. Allele origin: maternal. Affected: no. Not counted in ClinVar's aggregate classification.

Literature cited by the submitters: PubMed 33753861 (cited by Ambry Genetics); PubMed 34877407 (cited by Ambry Genetics); PubMed 15586325 (cited by Labcorp Genetics (formerly Invitae), Labcorp); PubMed 18697827 (cited by Labcorp Genetics (formerly Invitae), Labcorp).

NM_004187.5(KDM5C):c.3392_3393del (p.Glu1131fs)

Gene: KDM5C (lysine demethylase 5C; minus strand). Cytogenetic location: Xp11.22.
Variant type: Microsatellite.
Coding change: c.3392_3393del on transcript NM_004187.5 (MANE Select); coding-DNA positions 3392 to 3393, 2 bases deleted (AG; older notation c.3392_3393delAG).
Protein change: p.Glu1131fs; shifts the reading frame from glutamic acid 1131.
Molecular consequence: frameshift variant. On other transcripts: non-coding transcript variant (3).
Genome position (GRCh38, 1-based): chrX:53,194,976-53,194,977, CT deleted on the plus strand (AG on the coding strand, the reverse complement: KDM5C is on the minus strand); deleting any 2 consecutive bases within chrX:53,194,976-53,194,979 gives the same sequence; the c. name uses the placement nearest the transcript's 3' end. VCF-style (leftmost placement, unchanged base first): chrX-53194975-GCT-G. GRCh37 (hg19) VCF-style: chrX-53224157-GCT-G.
Other names: c.3392_3393delAG (NM_004187.2); c.3191_3192del, p.Glu1064fs (NM_001146702.2); c.3389_3390del, p.Glu1130fs (NM_001282622.3, NM_001353979.2, NM_001353982.2); c.3392_3393del, p.Glu1131fs (NM_001353978.3, NM_001353981.2, NM_001353984.2); short protein forms E1131fs, E1064fs, E1130fs.
Identifiers: ClinVar variation 817677 (VCV000817677.13), dbSNP rs1602163752, ClinGen allele CA915951074.